The following is an entry in ClinVar:

ClinVar aggregate classification (germline): Uncertain significance. Review status: criteria provided, multiple submitters, no conflicts (2 of 4 stars). 4 submissions from 4 submitters: Uncertain significance (4). Last evaluated 2025-10-10.

Conditions:
ITGA2B-related disorder. Also called: ITGA2B-related disorders; ITGA2B-related condition.
Platelet-type bleeding disorder 16 (BDPLT16). Also called: Bleeding disorder, platelet-type, 16, autosomal dominant. Identifiers: Orphanet 140957, MedGen C5442010, MONDO:0008552, OMIM 187800.

Allele frequency attached by ClinVar (database versions not stated): gnomAD 0.00001 and 0.00003; gnomAD exomes 0.00001; ExAC 0.00002; TOPMed 0.00002; 1000 Genomes Project 30x 0.00016; 1000 Genomes Project 0.00020.
gnomAD v4.1: 23 of 1,613,216 alleles (0.0014%); highest among the groups gnomAD compares: East Asian, 0.0045%; no homozygotes.

Submissions (4):

PreventionGenetics, part of Exact Sciences
Classification: Uncertain significance for ITGA2B-related condition. Last evaluated: 2025-10-10. Review status: criteria provided, single submitter. Criteria: ACMG Guidelines, 2015. Collection method: clinical testing. Allele origin: germline.
Comment: The ITGA2B c.1752+5G>A variant is predicted to interfere with splicing. This variant is predicted to alter splicing based on available splicing prediction software (SpliceAI, Jaganathan et al. 2019. PubMed ID: 30661751). However, the use of computer prediction software is not equivalent to functional evidence. To our knowledge, this variant has not been reported in the literature. This variant is reported in 0.0050% of alleles in individuals of East Asian descent in gnomAD. At this time, the clinical significance of this variant is uncertain due to the absence of conclusive functional and genetic evidence.

GeneDx
Classification: Uncertain significance. Last evaluated: 2024-12-13. Review status: criteria provided, single submitter. Criteria: GeneDx Variant Classification Process June 2021. Collection method: clinical testing. Allele origin: germline. Affected: yes.
Comment: In silico analysis is inconclusive as to whether the variant alters gene splicing. In the absence of RNA/functional studies, the actual effect of this sequence change is unknown.; Has not been previously published as pathogenic or benign to our knowledge

Mayo Clinic Laboratories, Mayo Clinic
Classification: Uncertain significance. Last evaluated: 2024-12-04. Review status: criteria provided, single submitter. Criteria: ACMG Guidelines, 2015. Collection method: clinical testing. Allele origin: germline. Observed: 1 variant allele.
Comment: PM2_supporting

Baylor Genetics
Classification: Uncertain significance for Platelet-type bleeding disorder 16. Last evaluated: 2020-10-19. Review status: criteria provided, single submitter. Criteria: ACMG Guidelines, 2015. Collection method: clinical testing. Allele origin: unknown. Affected: yes.
Comment: This variant was determined to be of uncertain significance according to ACMG Guidelines, 2015 [PMID:25741868].

NM_000419.5(ITGA2B):c.1752+5G>A

Gene: ITGA2B (integrin subunit alpha 2b; minus strand). Cytogenetic location: 17q21.31.
Variant type: single nucleotide variant.
Coding change: c.1752+5G>A on transcript NM_000419.5 (MANE Select); 5 bases into the intron after coding-DNA position 1752, G replaced by A.
Molecular consequence: intron variant.
Genome position (GRCh38, 1-based): chr17:44,379,997, C>T on the plus strand (G>A on the coding strand, the complement: ITGA2B is on the minus strand). VCF-style: chr17-44379997-C-T. GRCh37 (hg19) VCF-style: chr17-42457365-C-T.
Other names: p.=; c.1752+5G>A (NM_000419.4).
Identifiers: ClinVar variation 1030780 (VCV001030780.4), dbSNP rs530915748, ClinGen allele CA8602967.
Genomic context (GRCh38, chr17:44,379,997, plus strand): 5'-AGATGAACAAGTCCAGTGGGTAAGTTCTACTCTCCCAGCCCTGCCAATCCCCTGCCTGGG[C>T]GTACTCGAAGGAAGGCCATGGTGGTGTGGCAGATGGGGCTGTGCTTTCCGCCCAGATCCA-3'